The following is an entry in ClinVar:

NC_000023.10:g.(?_48542243)_(48549553_?)dup

Gene: WAS (WASP actin nucleation promoting factor; plus strand). Cytogenetic location: Xp11.23.
Variant type: Duplication.
Identifiers: ClinVar variation 1409574 (VCV001409574.1).

ClinVar aggregate classification (germline): Uncertain significance (1 of 4 stars; one submission).

Conditions:
Thrombocytopenia 1. Also called: X-Linked Thrombocytopenia (XLT); THROMBOCYTOPENIA, X-LINKED, 1; X-linked thrombocytopenia with normal platelets. Identifiers: Orphanet 268322, Orphanet 852, MedGen C1839163, MONDO:0010743, OMIM 313900.
Wiskott-Aldrich syndrome (WAS). Also called: ALDRICH SYNDROME; IMMUNODEFICIENCY 2; WISKOTT-ALDRICH SYNDROME 1; Wiskott-aldrich syndrome, somatic. Identifiers: Orphanet 906, MedGen C0043194, MONDO:0010518, OMIM 301000.
X-linked severe congenital neutropenia (SCNX). Identifiers: Orphanet 86788, MedGen C1845987, MONDO:0010294, OMIM 300299.

Submission:

Labcorp Genetics (formerly Invitae), Labcorp
Classification: Uncertain significance for Wiskott-Aldrich syndrome; X-linked severe congenital neutropenia; Thrombocytopenia 1. Last evaluated: 2021-03-09. Review status: criteria provided, single submitter. Criteria: Invitae Variant Classification Sherloc (09022015). Collection method: clinical testing. Allele origin: germline.
Comment: A copy number gain of the genomic region encompassing the full coding sequence of the WAS gene has been identified. The boundaries of this event are unknown as they extend beyond the assayed region for this gene and therefore may encompass additional genes. As the precise location of this event is unknown, it may be in tandem or it may be located elsewhere in the genome. This variant has not been reported in the literature in individuals with WAS-related conditions. In summary, the available evidence is currently insufficient to determine the role of this variant in disease. Therefore, it has been classified as a Variant of Uncertain Significance.